The following is an entry in ClinVar:

ClinVar aggregate classification (germline): Conflicting classifications of pathogenicity. Review status: criteria provided, conflicting classifications (1 of 4 stars). 4 submissions from 4 submitters: Uncertain significance (3); Benign (1). Last evaluated 2025-12-08.

Conditions:
Hereditary spherocytosis type 5. Also called: EPB42-Related Spherocytosis; EPB42-Related Hereditary Spherocytosis. Identifiers: Orphanet 822, MedGen C2675192, MONDO:0012985, OMIM 612690.
Inborn genetic diseases. Identifiers: MedGen C0950123, MeSH D030342.

Allele frequency attached by ClinVar (database versions not stated): gnomAD 0.00013 and 0.00014; TOPMed 0.00016; ExAC 0.00022; ESP Exome Variant Server 0.00023; gnomAD exomes 0.00025.
gnomAD v4.1: 208 of 1,614,098 alleles (0.013%); highest among the groups gnomAD compares: Middle Eastern, 0.18%; no homozygotes.

Submissions (4):

Labcorp Genetics (formerly Invitae), Labcorp
Classification: Benign. Last evaluated: 2025-12-08. Review status: criteria provided, single submitter. Criteria: Invitae Variant Classification Sherloc (09022015). Collection method: clinical testing. Allele origin: germline.

Mayo Clinic Laboratories, Mayo Clinic
Classification: Uncertain significance. Last evaluated: 2025-07-03. Review status: criteria provided, single submitter. Criteria: ACMG Guidelines, 2015. Collection method: clinical testing. Allele origin: germline. Observed: 1 variant allele.
Comment: BP4_moderate

Ambry Genetics
Classification: Uncertain significance for Inborn genetic diseases. Last evaluated: 2023-02-16. Review status: criteria provided, single submitter. Criteria: Ambry Variant Classification Scheme 2023. Collection method: clinical testing. Allele origin: germline.

Illumina Laboratory Services, Illumina
Classification: Uncertain significance for Hereditary spherocytosis type 5. Last evaluated: 2018-01-12. Review status: criteria provided, single submitter. Criteria: ICSL Variant Classification Criteria 13 December 2019. Collection method: clinical testing. Allele origin: germline.

NM_001114134.2(EPB42):c.1165A>C (p.Ile389Leu)

Gene: EPB42 (erythrocyte membrane protein band 4.2; minus strand). Cytogenetic location: 15q15.2.
Variant type: single nucleotide variant.
Coding change: c.1165A>C on transcript NM_001114134.2 (MANE Select); coding-DNA position 1165, A replaced by C.
Protein change: p.Ile389Leu; replaces isoleucine 389 with leucine.
Molecular consequence: missense variant.
Genome position (GRCh38, 1-based): chr15:43,207,352, T>G on the plus strand (A>C on the coding strand, the complement: EPB42 is on the minus strand). VCF-style: chr15-43207352-T-G. GRCh37 (hg19) VCF-style: chr15-43499550-T-G.
Other names: p.Ile419Leu; c.1255A>C, p.Ile419Leu (NM_000119.3); short protein forms I419L, I389L.
Identifiers: ClinVar variation 316016 (VCV000316016.11), dbSNP rs141596199, ClinGen allele CA7520386.